The following is an entry in ClinVar:

NM_030665.4(RAI1):c.5660-975TTATT[10]

Gene: RAI1 (retinoic acid induced 1; plus strand). Cytogenetic location: 17p11.2.
Variant type: Microsatellite.
Coding change: c.5660-975TTATT[10] on transcript NM_030665.4 (MANE Select); ten copies in a row of the 5-base unit TTATT starting at c.5660-975.
Molecular consequence: intron variant.
Genome position: GRCh38 VCF-style: chr17-17808414-A-ATTATT. GRCh37 (hg19) VCF-style: chr17-17711728-A-ATTATT.
Identifiers: ClinVar variation 1879363 (VCV001879363.29), dbSNP rs71155304, ClinGen allele CA726639425.
Genomic context (GRCh38, chr17:17,808,414, plus strand): 5'-TTTAAATTTTATTTTATTTTATATTTTATTTTATTATTTTATTTTATTTTATTTTATTTT[A>ATTATT]TTATTTTATTTTATTTTATTTTATTTTATTTTATTTTATTTTATTTCATCTCAGACAGGG-3'

ClinVar aggregate classification (germline): Likely benign (1 of 4 stars; one submission).

Submission:

CeGaT Center for Human Genetics Tuebingen
Classification: Likely benign. Last evaluated: 2023-01-01. Review status: criteria provided, single submitter. Criteria: CeGaT Center For Human Genetics Tuebingen Variant Classification Criteria Version 2. Collection method: clinical testing. Allele origin: germline. Affected: yes. Observed: 4 variant alleles.
Comment: RAI1: BS1